The following is an entry in ClinVar:

NM_001177316.2(SLC34A3):c.560+26_560+27del

Gene: SLC34A3 (solute carrier family 34 member 3; plus strand). Cytogenetic location: 9q34.3.
Variant type: Deletion.
Coding change: c.560+26_560+27del on transcript NM_001177316.2 (MANE Select); bases 26 to 27 of the intron after coding-DNA position 560, 2 bases deleted (CT; older notation c.560+26_560+27delCT).
Molecular consequence: intron variant.
Genome position (GRCh38, 1-based): chr9:137,233,141-137,233,142, CT deleted. VCF-style (leftmost placement, unchanged base first): chr9-137233140-GCT-G. GRCh37 (hg19) VCF-style: chr9-140127592-GCT-G.
Other names: c.560+26_560+27del (NM_001177317.2, NM_080877.3).
Identifiers: ClinVar variation 4978417 (VCV004978417.1).

ClinVar aggregate classification (germline): Likely benign (1 of 4 stars; one submission).

Conditions:
SLC34A3-related disorder. Also called: SLC34A3-related condition.

Submission:

PreventionGenetics, part of Exact Sciences
Classification: Likely benign for SLC34A3-related condition. Last evaluated: 2024-10-23. Review status: criteria provided, single submitter. Criteria: ACMG Guidelines, 2015. Collection method: clinical testing. Allele origin: germline.
Comment: This variant is classified as likely benign based on ACMG/AMP sequence variant interpretation guidelines (Richards et al. 2015 PMID: 25741868, with internal and published modifications).